The following is an entry in ClinVar:

ClinVar aggregate classification (germline): Pathogenic (1 of 4 stars; one submission).

Submission:

GeneDx
Classification: Pathogenic. Last evaluated: 2012-12-07. Review status: criteria provided, single submitter. Criteria: GeneDx Variant Classification (06012015). Collection method: clinical testing. Allele origin: germline. Affected: yes.
Comment: The c.1345_1363del19 mutation in the CDKL5 gene causes a frameshift starting with codon Glutamic acid 449, changes this amino acid to a Leucine residue and creates a premature Stop codon at position 38 of the new reading frame, denoted p.Glu449LeufsX38. This mutation is predicted to cause loss of normal protein function either through protein truncation or nonsense-mediated mRNA decay. Although this mutation has not been previously reported to our knowledge, many other frameshift mutations in CDKL5 have been published. The variant is found in EPILEPSY panel(s).

NM_001323289.2(CDKL5):c.1345_1363del (p.Glu449fs)

Gene: CDKL5 (cyclin dependent kinase like 5; plus strand). Cytogenetic location: Xp22.13.
Variant type: Deletion.
Coding change: c.1345_1363del on transcript NM_001323289.2 (MANE Select); coding-DNA positions 1345 to 1363, 19 bases deleted (GAAAGCTCTCAAAGCAAAG).
Protein change: p.Glu449fs; shifts the reading frame from glutamic acid 449.
Molecular consequence: frameshift variant.
Genome position (GRCh38, 1-based): chrX:18,604,269-18,604,287, GAAAGCTCTCAAAGCAAAG deleted; deleting any 19 consecutive bases within chrX:18,604,268-18,604,287 gives the same sequence; the c. name uses the placement nearest the transcript's 3' end. VCF-style (leftmost placement, unchanged base first): chrX-18604267-TGGAAAGCTCTCAAAGCAAA-T. GRCh37 (hg19) VCF-style: chrX-18622387-TGGAAAGCTCTCAAAGCAAA-T.
Other names: c.1345_1363del, p.Glu449fs (NM_001037343.2, NM_003159.3); c.1345_1363delGAAAGCTCTCAAAGCAAAG (NM_003159.2); short protein forms E449fs.
Identifiers: ClinVar variation 156641 (VCV000156641.1), dbSNP rs587783113, ClinGen allele CA294680.